The following is an entry in ClinVar:

NM_003924.4(PHOX2B):c.641G>C (p.Gly214Ala)

Gene: PHOX2B (paired like homeobox 2B; minus strand). Cytogenetic location: 4p13.
Variant type: single nucleotide variant.
Coding change: c.641G>C on transcript NM_003924.4 (MANE Select); coding-DNA position 641, G replaced by C.
Protein change: p.Gly214Ala; replaces glycine 214 with alanine.
Molecular consequence: missense variant.
Genome position (GRCh38, 1-based): chr4:41,746,111, C>G on the plus strand (G>C on the coding strand, the complement: PHOX2B is on the minus strand). VCF-style: chr4-41746111-C-G. GRCh37 (hg19) VCF-style: chr4-41748128-C-G.
Other names: short protein forms G214A.
Identifiers: ClinVar variation 1026423 (VCV001026423.13), dbSNP rs1733890084, ClinGen allele CA356737539.

ClinVar aggregate classification (germline): Uncertain significance. Review status: criteria provided, multiple submitters, no conflicts (2 of 4 stars). 2 submissions from 2 submitters: Uncertain significance (2). Last evaluated 2025-06-25.

Conditions:
Hereditary cancer-predisposing syndrome. Also called: Neoplastic Syndromes, Hereditary; Tumor predisposition; Hereditary Cancer Syndrome; Hereditary neoplastic syndrome. Identifiers: Orphanet 140162, MedGen C0027672, MeSH D009386, MONDO:0015356.
Haddad syndrome (OHD). Also called: Ondine-Hirschsprung disease. Identifiers: Orphanet 99803, MedGen C1859049, MONDO:0020493.

Submissions (2):

Ambry Genetics
Classification: Uncertain significance for Hereditary cancer-predisposing syndrome. Last evaluated: 2025-06-25. Review status: criteria provided, single submitter. Criteria: Ambry Variant Classification Scheme 2023. Collection method: clinical testing. Allele origin: germline.
Comment: The p.G214A variant (also known as c.641G>C), located in coding exon 3 of the PHOX2B gene, results from a G to C substitution at nucleotide position 641. The glycine at codon 214 is replaced by alanine, an amino acid with similar properties. This amino acid position is well conserved in available vertebrate species. In addition, this alteration is predicted to be tolerated by in silico analysis. Based on the available evidence, the clinical significance of this variant remains unclear.

Labcorp Genetics (formerly Invitae), Labcorp
Classification: Uncertain significance for Haddad syndrome. Last evaluated: 2024-05-13. Review status: criteria provided, single submitter. Criteria: Invitae Variant Classification Sherloc (09022015). Collection method: clinical testing. Allele origin: germline.
Comment: This sequence change replaces glycine, which is neutral and non-polar, with alanine, which is neutral and non-polar, at codon 214 of the PHOX2B protein (p.Gly214Ala). This variant is not present in population databases (gnomAD no frequency). This variant has not been reported in the literature in individuals affected with PHOX2B-related conditions. ClinVar contains an entry for this variant (Variation ID: 1026423). Advanced modeling of protein sequence and biophysical properties (such as structural, functional, and spatial information, amino acid conservation, physicochemical variation, residue mobility, and thermodynamic stability) performed at Invitae indicates that this missense variant is not expected to disrupt PHOX2B protein function with a negative predictive value of 80%. In summary, the available evidence is currently insufficient to determine the role of this variant in disease. Therefore, it has been classified as a Variant of Uncertain Significance.